The following is an entry in ClinVar:

ClinVar aggregate classification (germline): Uncertain significance (1 of 4 stars; one submission).

Allele frequency attached by ClinVar (database versions not stated): gnomAD exomes below 0.00001.
gnomAD v4.1: 6 of 1,613,856 alleles (0.00037%); highest among the groups gnomAD compares: Non-Finnish European, 0.00042%; no homozygotes.

Submission:

Labcorp Genetics (formerly Invitae), Labcorp
Classification: Uncertain significance. Last evaluated: 2023-12-21. Review status: criteria provided, single submitter. Criteria: Invitae Variant Classification Sherloc (09022015). Collection method: clinical testing. Allele origin: germline.
Comment: This sequence change replaces valine, which is neutral and non-polar, with leucine, which is neutral and non-polar, at codon 434 of the ASPM protein (p.Val434Leu). This variant is not present in population databases (gnomAD no frequency). This variant has not been reported in the literature in individuals affected with ASPM-related conditions. ClinVar contains an entry for this variant (Variation ID: 2090883). Advanced modeling of protein sequence and biophysical properties (such as structural, functional, and spatial information, amino acid conservation, physicochemical variation, residue mobility, and thermodynamic stability) performed at Invitae indicates that this missense variant is not expected to disrupt ASPM protein function with a negative predictive value of 80%. In summary, the available evidence is currently insufficient to determine the role of this variant in disease. Therefore, it has been classified as a Variant of Uncertain Significance.

NM_018136.5(ASPM):c.1300G>C (p.Val434Leu)

Gene: ASPM (assembly factor for spindle microtubules; minus strand). Cytogenetic location: 1q31.3.
Variant type: single nucleotide variant.
Coding change: c.1300G>C on transcript NM_018136.5 (MANE Select); coding-DNA position 1300, G replaced by C.
Protein change: p.Val434Leu; replaces valine 434 with leucine.
Molecular consequence: missense variant.
Genome position (GRCh38, 1-based): chr1:197,142,952, C>G on the plus strand (G>C on the coding strand, the complement: ASPM is on the minus strand). VCF-style: chr1-197142952-C-G. GRCh37 (hg19) VCF-style: chr1-197112082-C-G.
Other names: c.1300G>C, p.Val434Leu (NM_001206846.2); short protein forms V434L.
Identifiers: ClinVar variation 2090883 (VCV002090883.4), dbSNP rs370714755, ClinGen allele CA344016841.